The following is an entry in ClinVar:

NM_020247.5(COQ8A):c.610C>T (p.Arg204Trp)

Gene: COQ8A (coenzyme Q8A; plus strand). Cytogenetic location: 1q42.13.
Variant type: single nucleotide variant.
Coding change: c.610C>T on transcript NM_020247.5 (MANE Select); coding-DNA position 610, C replaced by T.
Protein change: p.Arg204Trp; replaces arginine 204 with tryptophan.
Molecular consequence: missense variant.
Genome position (GRCh38, 1-based): chr1:226,965,692, C>T. VCF-style: chr1-226965692-C-T. GRCh37 (hg19) VCF-style: chr1-227153393-C-T.
Other names: p.Arg204Trp; short protein forms R204W.
Identifiers: ClinVar variation 3380659 (VCV003380659.1).

ClinVar aggregate classification (germline): Uncertain significance (1 of 4 stars; one submission).

gnomAD v4.1: 39 of 1,614,002 alleles (0.0024%); highest among the groups gnomAD compares: Non-Finnish European, 0.0028%; no homozygotes.

Submission:

Mayo Clinic Laboratories, Mayo Clinic
Classification: Uncertain significance. Last evaluated: 2024-08-21. Review status: criteria provided, single submitter. Criteria: ACMG Guidelines, 2015. Collection method: clinical testing. Allele origin: germline. Observed: 1 variant allele.
Comment: PM2